The following is an entry in ClinVar:

ClinVar aggregate classification (germline): Conflicting classifications of pathogenicity. Review status: criteria provided, conflicting classifications (1 of 4 stars). 2 submissions from 2 submitters: Uncertain significance (1); Likely benign (1). Last evaluated 2024-11-09.

Conditions:
Inborn genetic diseases. Identifiers: MedGen C0950123, MeSH D030342.

gnomAD v4.1: 12 of 1,614,040 alleles (0.00074%); highest among the groups gnomAD compares: African/African-American, 0.004%; no homozygotes.

Submissions (2):

Ambry Genetics
Classification: Uncertain significance for Inborn genetic diseases. Last evaluated: 2024-11-09. Review status: criteria provided, single submitter. Criteria: Ambry Variant Classification Scheme 2023. Collection method: clinical testing. Allele origin: germline.

CeGaT Center for Human Genetics Tuebingen
Classification: Likely benign. Last evaluated: 2024-09-01. Review status: criteria provided, single submitter. Criteria: CeGaT Center For Human Genetics Tuebingen Variant Classification Criteria Version 2. Collection method: clinical testing. Allele origin: germline. Affected: yes. Observed: 1 variant allele.
Comment: KMT2C: BP1, BP4

NM_170606.3(KMT2C):c.6886C>T (p.Arg2296Cys)

Gene: KMT2C (lysine methyltransferase 2C; minus strand). Cytogenetic location: 7q36.1.
Variant type: single nucleotide variant.
Coding change: c.6886C>T on transcript NM_170606.3 (MANE Select); coding-DNA position 6886, C replaced by T.
Protein change: p.Arg2296Cys; replaces arginine 2296 with cysteine.
Molecular consequence: missense variant.
Genome position (GRCh38, 1-based): chr7:152,180,974, G>A on the plus strand (C>T on the coding strand, the complement: KMT2C is on the minus strand). VCF-style: chr7-152180974-G-A. GRCh37 (hg19) VCF-style: chr7-151878059-G-A.
Other names: c.6886C>T (NM_170606.2); short protein forms R2296C.
Identifiers: ClinVar variation 3389354 (VCV003389354.15).